The following is an entry in ClinVar:

ClinVar aggregate classification (germline): Uncertain significance. Review status: criteria provided, multiple submitters, no conflicts (2 of 4 stars). 2 submissions from 2 submitters: Uncertain significance (2). Last evaluated 2026-04-01.

Conditions:
Cystic fibrosis (CF). Also called: MUCOVISCIDOSIS. Identifiers: Orphanet 586, MedGen C0010674, MONDO:0009061, OMIM 219700. Disease mechanism: loss of function.

gnomAD v4.1: 4 of 1,612,870 alleles (0.00025%); highest among the groups gnomAD compares: Middle Eastern, 0.017%; no homozygotes.

Submissions (2):

Ambry Genetics
Classification: Uncertain significance for Cystic fibrosis. Last evaluated: 2026-04-01. Review status: criteria provided, single submitter. Criteria: Ambry Variant Classification Scheme 2023. Collection method: clinical testing. Allele origin: germline.
Comment: The p.E831D variant (also known as c.2493G>T), located in coding exon 15 of the CFTR gene, results from a G to T substitution at nucleotide position 2493. The glutamic acid at codon 831 is replaced by aspartic acid, an amino acid with highly similar properties. This amino acid position is not well conserved in available vertebrate species. In addition, the in silico prediction for this alteration is inconclusive. Based on the available evidence, the clinical significance of this variant remains unclear.

Women's Health and Genetics/Laboratory Corporation of America, LabCorp
Classification: Uncertain significance. Last evaluated: 2021-12-24. Review status: criteria provided, single submitter. Criteria: LabCorp Variant Classification Summary - May 2015. Collection method: clinical testing. Allele origin: germline.

NM_000492.4(CFTR):c.2493G>T (p.Glu831Asp)

Gene: CFTR (CF transmembrane conductance regulator; plus strand). Cytogenetic location: 7q31.2.
Variant type: single nucleotide variant.
Coding change: c.2493G>T on transcript NM_000492.4 (MANE Select); coding-DNA position 2493, G replaced by T.
Protein change: p.Glu831Asp; replaces glutamic acid 831 with aspartic acid.
Molecular consequence: missense variant.
Genome position (GRCh38, 1-based): chr7:117,594,932, G>T. VCF-style: chr7-117594932-G-T. GRCh37 (hg19) VCF-style: chr7-117234986-G-T.
Other names: short protein forms E831D.
Identifiers: ClinVar variation 1331480 (VCV001331480.2), dbSNP rs1301647941, ClinGen allele CA368983777.
Genomic context (GRCh38, chr7:117,594,932, plus strand): 5'-ACAATGGTGGCATGAAACTGTACTGTCTTATTGTAATAGCCATAATTCTTTTATTCAGGA[G>T]TGCTTTTTTGATGATATGGAGAGCATACCAGCAGTGACTACATGGAACACATACCTTCGA-3'
Protein context (NP_000483.3, residues 821-841): SEEINEEDLK[Glu831Asp]CFFDDMESIP